The following is an entry in ClinVar:

ClinVar aggregate classification (germline): Pathogenic. Review status: criteria provided, multiple submitters, no conflicts (2 of 4 stars). 2 submissions from 2 submitters: Pathogenic (2). Last evaluated 2026-02-14.

Conditions:
Solitary median maxillary central incisor syndrome. Also called: FUSED INCISORS; SINGLE CENTRAL MAXILLARY INCISOR; Solitary median maxillary central incisor; SMMCI SYNDROME; Single Central Incisor Syndrome. Identifiers: MedGen C1840235, MONDO:0007819, OMIM 147250, HP:0006315.

Submissions (2):

GeneDx
Classification: Pathogenic. Last evaluated: 2026-02-14. Review status: criteria provided, single submitter. Criteria: GeneDx Variant Classification Process June 2021. Collection method: clinical testing. Allele origin: germline.
Comment: Reported in an individual with holoprosencephaly; however, no further clinical or segregation information was provided (PMID: 19603532); Frameshift variant predicted to result in protein truncation or nonsense mediated decay in a gene for which loss of function is a known mechanism of disease; Not observed at significant frequency in large population cohorts (gnomAD); This variant is associated with the following publications: (PMID: 19603532)

Laboratory of Molecular Genetics, CHU Rennes
Classification: Pathogenic for Solitary median maxillary central incisor syndrome. Last evaluated: 2025-02-27. Review status: criteria provided, single submitter. Criteria: ACMG Guidelines, 2015. Collection method: clinical testing. Allele origin: unknown. Inheritance: Autosomal dominant inheritance. Affected: yes.
Comment: The NM_000193.4:c.87del is a deletion of one base-pair in SHH which is predicted to result in a premature stop codon downstream, and likely results in an absent or disrupted protein product (PVS1). This variant was found in several members of the same family with holoprosencephaly microform (PP1). This variant is not present in gnomAD (PM2). In summary, this variant meets criteria to be classified as pathogenic for holoprosencephaly based on the ACMG criteria applied.

NM_000193.4(SHH):c.87del (p.Phe30fs)

Gene: SHH (sonic hedgehog signaling molecule; minus strand). Cytogenetic location: 7q36.3.
Variant type: Deletion.
Coding change: c.87del on transcript NM_000193.4 (MANE Select); coding-DNA position 87, one base deleted (G; older notation c.87delG).
Protein change: p.Phe30fs; shifts the reading frame from phenylalanine 30.
Molecular consequence: frameshift variant.
Genome position (GRCh38, 1-based): chr7:155,812,036, C deleted on the plus strand (G on the coding strand, the reverse complement: SHH is on the minus strand); the first of 5 consecutive C bases (chr7:155,812,036-155,812,040); deleting any one gives the same sequence. VCF-style (leftmost placement, unchanged base first): chr7-155812035-AC-A. GRCh37 (hg19) VCF-style: chr7-155604729-AC-A.
Other names: c.87delG (NM_000193.4); c.87del (NM_000193.2); short protein forms F30fs.
Identifiers: ClinVar variation 3775132 (VCV003775132.2).